The following is an entry in ClinVar:

NM_000059.4(BRCA2):c.3281A>G (p.Lys1094Arg)

Gene: BRCA2 (BRCA2 DNA repair associated; plus strand). Cytogenetic location: 13q13.1.
Variant type: single nucleotide variant.
Coding change: c.3281A>G on transcript NM_000059.4 (MANE Select); coding-DNA position 3281, A replaced by G.
Protein change: p.Lys1094Arg; replaces lysine 1094 with arginine.
Molecular consequence: missense variant.
Genome position (GRCh38, 1-based): chr13:32,337,636, A>G. VCF-style: chr13-32337636-A-G. GRCh37 (hg19) VCF-style: chr13-32911773-A-G.
Other names: short protein forms K1094R.
Identifiers: ClinVar variation 232463 (VCV000232463.8), dbSNP rs876659782, ClinGen allele CA10579570.

ClinVar aggregate classification (germline): Conflicting classifications of pathogenicity. Review status: criteria provided, conflicting classifications (1 of 4 stars). 3 submissions from 3 submitters: Uncertain significance (2); Likely benign (1). Last evaluated 2025-06-22.

Conditions:
Hereditary cancer-predisposing syndrome. Also called: Neoplastic Syndromes, Hereditary; Tumor predisposition; Hereditary Cancer Syndrome; Hereditary neoplastic syndrome. Identifiers: Orphanet 140162, MedGen C0027672, MeSH D009386, MONDO:0015356.
Hereditary breast ovarian cancer syndrome. Also called: Hereditary breast and ovarian cancer syndrome; BRCA1- and BRCA2-Associated Hereditary Breast and Ovarian Cancer; Breast and ovarian cancer; Hereditary breast and/or ovarian cancer syndrome; Hereditary breast and ovarian cancer; Hereditary breast and ovarian cancer syndrome (HBOC). Identifiers: Orphanet 145, MedGen C0677776, MeSH D061325, MONDO:0003582. Disease mechanism: loss of function.

Submissions (3):

Labcorp Genetics (formerly Invitae), Labcorp
Classification: Uncertain significance for Hereditary breast ovarian cancer syndrome. Last evaluated: 2025-06-22. Review status: criteria provided, single submitter. Criteria: Invitae Variant Classification Sherloc (09022015). Collection method: clinical testing. Allele origin: germline.
Comment: This sequence change replaces lysine, which is basic and polar, with arginine, which is basic and polar, at codon 1094 of the BRCA2 protein (p.Lys1094Arg). This variant is not present in population databases (gnomAD no frequency). This missense change has been observed in individual(s) with breast cancer (PMID: 27221885). ClinVar contains an entry for this variant (Variation ID: 232463). Invitae Evidence Modeling of protein sequence and biophysical properties (such as structural, functional, and spatial information, amino acid conservation, physicochemical variation, residue mobility, and thermodynamic stability) indicates that this missense variant is not expected to disrupt BRCA2 protein function with a negative predictive value of 95%. In summary, the available evidence is currently insufficient to determine the role of this variant in disease. Therefore, it has been classified as a Variant of Uncertain Significance.

University of Washington Department of Laboratory Medicine, University of Washington
Classification: Likely benign for Hereditary cancer-predisposing syndrome. Last evaluated: 2023-03-23. Review status: criteria provided, single submitter. Criteria: Dines et al. (Genet Med. 2020). Collection method: curation. Allele origin: germline.
Comment: Missense variant in a coldspot region where missense variants are very unlikely to be pathogenic (PMID:31911673).

BRCA2 exon 11 coldspot. Reclassification based on statistical prior probability.

Ambry Genetics
Classification: Uncertain significance for Hereditary cancer-predisposing syndrome. Last evaluated: 2015-06-16. Review status: criteria provided, single submitter. Criteria: Ambry Variant Classification Scheme 2023. Collection method: clinical testing. Allele origin: germline.
Comment: The p.K1094R variant (also known as c.3281A>G and 3509A>G), located in coding exon 10 of the BRCA2 gene, results from an A to G substitution at nucleotide position 3281. The lysine at codon 1094 is replaced by arginine, an amino acid with highly similar properties. This variant was not reported in population based cohorts in the following databases: Database of Single Nucleotide Polymorphisms (dbSNP), NHLBI Exome Sequencing Project (ESP), and 1000 Genomes Project. In the ESP, this variant was not observed in 6483 samples (12966 alleles) with coverage at this position. To date, this alteration has been detected with an allele frequency of approximately 0.001% (greater than 1500000 alleles tested) in our clinical cohort. This amino acid position is not well conserved in available vertebrate species. In addition, this alteration is predicted to be tolerated by in silico analysis. Since supporting evidence is limited at this time, the clinical significance of p.K1094R remains unclear.

Literature cited by the submitters: PubMed 27221885 (cited by Labcorp Genetics (formerly Invitae), Labcorp).